The following is an entry in ClinVar:

ClinVar aggregate classification (germline): Uncertain significance. Review status: criteria provided, multiple submitters, no conflicts (2 of 4 stars). 2 submissions from 2 submitters: Uncertain significance (2). Last evaluated 2025-01-07.

Conditions:
Hereditary cancer-predisposing syndrome. Also called: Hereditary Cancer Syndrome; Neoplastic Syndromes, Hereditary; Tumor predisposition; Hereditary neoplastic syndrome. Identifiers: Orphanet 140162, MedGen C0027672, MeSH D009386, MONDO:0015356.
Ataxia-telangiectasia syndrome (AT). Also called: Cerebello-oculocutaneous telangiectasia; Immunodeficiency with ataxia telangiectasia; Ataxia-telangiectasia, complementation group E; Ataxia-telangiectasia, complementation group D; AT, COMPLEMENTATION GROUP C; ATAXIA-TELANGIECTASIA, COMPLEMENTATION GROUP A. Identifiers: Orphanet 100, MedGen C0004135, MONDO:0008840, OMIM 208900.

Submissions (2):

Ambry Genetics
Classification: Uncertain significance for Hereditary cancer-predisposing syndrome. Last evaluated: 2025-01-07. Review status: criteria provided, single submitter. Criteria: Ambry Variant Classification Scheme 2023. Collection method: clinical testing. Allele origin: germline.
Comment: The p.H2554Y variant (also known as c.7660C>T), located in coding exon 51 of the ATM gene, results from a C to T substitution at nucleotide position 7660. The histidine at codon 2554 is replaced by tyrosine, an amino acid with similar properties. This amino acid position is highly conserved in available vertebrate species. In addition, this alteration is predicted to be deleterious by in silico analysis. Based on the available evidence, the clinical significance of this variant remains unclear.

Labcorp Genetics (formerly Invitae), Labcorp
Classification: Uncertain significance for Ataxia-telangiectasia syndrome. Last evaluated: 2017-11-01. Review status: criteria provided, single submitter. Criteria: Invitae Variant Classification Sherloc (09022015). Collection method: clinical testing. Allele origin: germline.
Comment: This sequence change replaces histidine with tyrosine at codon 2554 of the ATM protein (p.His2554Tyr). The histidine residue is highly conserved and there is a moderate physicochemical difference between histidine and tyrosine. This variant is not present in population databases (ExAC no frequency). This variant has not been reported in the literature in individuals with ATM-related disease. Algorithms developed to predict the effect of missense changes on protein structure and function (SIFT, PolyPhen-2, Align-GVGD) all suggest that this variant is likely to be tolerated, but these predictions have not been confirmed by published functional studies and their clinical significance is uncertain. In summary, the available evidence is currently insufficient to determine the role of this variant in disease. Therefore, it has been classified as a Variant of Uncertain Significance.

NM_000051.4(ATM):c.7660C>T (p.His2554Tyr)

Genes: ATM (ATM serine/threonine kinase; plus strand), C11orf65 (chromosome 11 open reading frame 65; minus strand). Cytogenetic location: 11q22.3.
Variant type: single nucleotide variant.
Coding change: c.7660C>T on transcript NM_000051.4 (MANE Select); coding-DNA position 7660, C replaced by T.
Protein change: p.His2554Tyr; replaces histidine 2554 with tyrosine.
Molecular consequence: missense variant. On other transcripts: intron variant (2).
Genome position (GRCh38, 1-based): chr11:108,331,909, C>T. VCF-style: chr11-108331909-C-T. GRCh37 (hg19) VCF-style: chr11-108202636-C-T.
Other names: c.7660C>T, p.His2554Tyr (NM_001351834.2); c.641-22838G>A (NM_001330368.2); c.*38+3311G>A (NM_001351110.2); short protein forms H2554Y.
Identifiers: ClinVar variation 524338 (VCV000524338.10), dbSNP rs1555124482, ClinGen allele CA382560951.